The following is an entry in ClinVar:

ClinVar aggregate classification (germline): Uncertain significance. Review status: criteria provided, multiple submitters, no conflicts (2 of 4 stars). 3 submissions from 3 submitters: Uncertain significance (3). Last evaluated 2026-05-13.

Conditions:
Cardiomyopathy (CMYO). Also called: Cardiomyopathies. Identifiers: Orphanet 167848, MedGen C0878544, MONDO:0004994, HP:0001638. Inheritance: Various modes of inheritance.
Cardiovascular phenotype. Identifiers: MedGen CN230736.
Hypertrophic cardiomyopathy. Also called: HYPERTROPHIC MYOCARDIOPATHY. Identifiers: Orphanet 217569, MedGen C0007194, MeSH D002312, MONDO:0005045, HP:0001639.

Allele frequency attached by ClinVar (database versions not stated): gnomAD exomes below 0.00001.

Submissions (3):

Ambry Genetics
Classification: Uncertain significance for Cardiovascular phenotype. Last evaluated: 2026-05-13. Review status: criteria provided, single submitter. Criteria: Ambry Variant Classification Scheme 2023. Collection method: clinical testing. Allele origin: germline.
Comment: The p.M1764T variant (also known as c.5291T>C), located in coding exon 35 of the MYH7 gene, results from a T to C substitution at nucleotide position 5291. The methionine at codon 1764 is replaced by threonine, an amino acid with similar properties. This amino acid position is highly conserved in available vertebrate species. In addition, this alteration is predicted to be deleterious by in silico analysis. Based on the available evidence, the clinical significance of this variant remains unclear.

Color Diagnostics, LLC DBA Color Health
Classification: Uncertain significance for Cardiomyopathy. Last evaluated: 2024-03-06. Review status: criteria provided, single submitter. Criteria: ACMG Guidelines, 2015. Collection method: clinical testing. Allele origin: germline.
Comment: This missense variant replaces methionine with threonine at codon 1764 of the MYH7 protein. Computational prediction tool is inconclusive regarding the impact of this variant on protein structure and function (internally defined REVEL score threshold 0.5 < inconclusive < 0.7, PMID: 27666373). Splice site prediction tools suggest that this variant may not impact RNA splicing. To our knowledge, functional studies have not been performed for this variant. This variant has not been reported in individuals affected with cardiovascular disorders in the literature. This variant has not been identified in the general population by the Genome Aggregation Database (gnomAD). The available evidence is insufficient to determine the role of this variant in disease conclusively. Therefore, this variant is classified as a Variant of Uncertain Significance.

Labcorp Genetics (formerly Invitae), Labcorp
Classification: Uncertain significance for Hypertrophic cardiomyopathy. Last evaluated: 2023-09-19. Review status: criteria provided, single submitter. Criteria: Invitae Variant Classification Sherloc (09022015). Collection method: clinical testing. Allele origin: germline.
Comment: This sequence change replaces methionine, which is neutral and non-polar, with threonine, which is neutral and polar, at codon 1764 of the MYH7 protein (p.Met1764Thr). This variant is not present in population databases (gnomAD no frequency). This variant has not been reported in the literature in individuals affected with MYH7-related conditions. ClinVar contains an entry for this variant (Variation ID: 926783). Advanced modeling of protein sequence and biophysical properties (such as structural, functional, and spatial information, amino acid conservation, physicochemical variation, residue mobility, and thermodynamic stability) has been performed at Invitae for this missense variant, however the output from this modeling did not meet the statistical confidence thresholds required to predict the impact of this variant on MYH7 protein function. In summary, the available evidence is currently insufficient to determine the role of this variant in disease. Therefore, it has been classified as a Variant of Uncertain Significance.

NM_000257.4(MYH7):c.5291T>C (p.Met1764Thr)

Genes: MYH7 (myosin heavy chain 7; minus strand), LOC126861897 (BRD4-independent group 4 enhancer GRCh37_chr14:23884455-23885654; plus strand). Cytogenetic location: 14q11.2.
Variant type: single nucleotide variant.
Coding change: c.5291T>C on transcript NM_000257.4 (MANE Select); coding-DNA position 5291, T replaced by C.
Protein change: p.Met1764Thr; replaces methionine 1764 with threonine.
Molecular consequence: missense variant.
Genome position (GRCh38, 1-based): chr14:23,415,263, A>G on the plus strand (T>C on the coding strand, the complement: MYH7 is on the minus strand). VCF-style: chr14-23415263-A-G. GRCh37 (hg19) VCF-style: chr14-23884472-A-G.
Other names: short protein forms M1764T.
Identifiers: ClinVar variation 926783 (VCV000926783.8), dbSNP rs1284464290, ClinGen allele CA389035951.
Genomic context (GRCh38, chr14:23,415,263, plus strand): 5'-TTCTTCATGCGCTCCAGGTGGGCGCTGGTGTCCTGCTCCTTCTTCAGCTCCTCTGCCATC[A>G]TGGCGGCCTGTGTGCAGGAGAGAGGTGGCACATGGTCTGGTCAAGTCCTCACACACTTGC-3'
Protein context (NP_000248.2, residues 1754-1774): KAKKAITDAA[Met1764Thr]MAEELKKEQD